The following is an entry in ClinVar:

NM_005619.5(RTN2):c.399C>A (p.Ser133=)

Genes: OPA3-RTN2 (OPA3-RTN2 readthrough; minus strand), RTN2 (reticulon 2; minus strand). Cytogenetic location: 19q13.32.
Variant type: single nucleotide variant.
Coding change: c.399C>A on transcript NM_005619.5 (MANE Select); coding-DNA position 399, C replaced by A.
Protein change: p.Ser133=; no amino-acid change (serine 133 retained).
Molecular consequence: synonymous variant.
Genome position (GRCh38, 1-based): chr19:45,494,686, G>T on the plus strand (C>A on the coding strand, the complement: RTN2 is on the minus strand). VCF-style: chr19-45494686-G-T. GRCh37 (hg19) VCF-style: chr19-45997944-G-T.
Other names: p.Ser133=; c.399C>A, p.Ser133= (NM_206900.3).
Identifiers: ClinVar variation 1358251 (VCV001358251.10), dbSNP rs138223572, ClinGen allele CA9516263.
Genomic context (GRCh38, chr19:45,494,686, plus strand): 5'-TCCCCGGGCCACCCAGCCCAGATGGTCCAACCGAAGCCTCAGGTCTTCCAGAGGGCGCTC[G>T]GATGGAGGCGCGGTGTCAGGATCACCCCGTCGTCCAGGCTCCGGGGATTGGCTCAGGCTG-3'
Protein context (NP_005610.1, residues 123-143): RRGDPDTAPP[Ser133=]ERPLEDLRLR

ClinVar aggregate classification (germline): Likely benign. Review status: criteria provided, multiple submitters, no conflicts (2 of 4 stars). 3 submissions from 3 submitters: Likely benign (3). Last evaluated 2025-11-26.

Conditions:
Spastic paraplegia. Identifiers: MedGen C0037772, HP:0001258.

Allele frequency attached by ClinVar (database versions not stated): ExAC 0.00003; gnomAD 0.00003 and 0.00004; gnomAD exomes 0.00003; ESP Exome Variant Server 0.00008.
gnomAD v4.1: 79 of 1,613,584 alleles (0.0049%); highest among the groups gnomAD compares: Non-Finnish European, 0.0059%; no homozygotes.

Submissions (3):

Mayo Clinic Laboratories, Mayo Clinic
Classification: Likely benign. Last evaluated: 2025-11-26. Review status: criteria provided, single submitter. Criteria: ACMG Guidelines, 2015. Collection method: clinical testing. Allele origin: germline. Observed: 1 variant allele.
Comment: BP4, BP7

Labcorp Genetics (formerly Invitae), Labcorp
Classification: Likely benign for Spastic paraplegia. Last evaluated: 2024-08-29. Review status: criteria provided, single submitter. Criteria: Invitae Variant Classification Sherloc (09022015). Collection method: clinical testing. Allele origin: germline.

Blueprint Genetics
Classification: Likely benign. Last evaluated: 2023-05-11. Review status: criteria provided, single submitter. Criteria: ACMG Guidelines, 2015. Collection method: clinical testing. Allele origin: germline.